The following is an entry in ClinVar:

NM_000020.3(ACVRL1):c.352C>T (p.Gln118Ter)

Gene: ACVRL1 (activin A receptor like type 1; plus strand). Cytogenetic location: 12q13.13.
Variant type: single nucleotide variant.
Coding change: c.352C>T on transcript NM_000020.3 (MANE Select); coding-DNA position 352, C replaced by T.
Protein change: p.Gln118Ter; replaces glutamine 118 with a stop codon.
Molecular consequence: nonsense.
Genome position (GRCh38, 1-based): chr12:51,913,597, C>T. VCF-style: chr12-51913597-C-T. GRCh37 (hg19) VCF-style: chr12-52307381-C-T.
Other names: c.352C>T, p.Gln118Ter (NM_001077401.2); short protein forms Q118*.
Identifiers: ClinVar variation 930608 (VCV000930608.3), dbSNP rs1940751311, ClinGen allele CA384898462.

ClinVar aggregate classification (germline): Pathogenic (1 of 4 stars; one submission).

Conditions:
Telangiectasia, hereditary hemorrhagic, type 2 (HHT2). Also called: Telangiectasia, hereditary hemorrhagic, type II; ACVRL1-Related Hereditary Hemorrhagic Telangiectasia. Identifiers: Orphanet 774, MedGen C1838163, MONDO:0010880, OMIM 600376. Disease mechanism: loss of function.

Submission:

Centre for Mendelian Genomics, University Medical Centre Ljubljana
Classification: Pathogenic for Telangiectasia, hereditary hemorrhagic, type 2. Last evaluated: 2019-11-27. Review status: criteria provided, single submitter. Criteria: ACMG Guidelines, 2015. Collection method: clinical testing. Allele origin: unknown. Affected: yes.
Comment: This variant was classified as: Pathogenic. The following ACMG criteria were applied in classifying this variant: PVS1,PM2,PP4.